The following is an entry in ClinVar:

ClinVar aggregate classification (germline): Uncertain significance (1 of 4 stars; one submission).

Conditions:
Charcot-Marie-Tooth disease type 2. Also called: Charcot-Marie-Tooth type 2. Identifiers: Orphanet 64746, MedGen C0270914, MONDO:0018993.

Submission:

Labcorp Genetics (formerly Invitae), Labcorp
Classification: Uncertain significance for Charcot-Marie-Tooth disease type 2. Last evaluated: 2021-08-31. Review status: criteria provided, single submitter. Criteria: Invitae Variant Classification Sherloc (09022015). Collection method: clinical testing. Allele origin: germline.
Comment: This sequence change replaces arginine with glycine at codon 8 of the LMNA protein (p.Arg8Gly). The arginine residue is highly conserved and there is a moderate physicochemical difference between arginine and glycine. The frequency data for this variant in the population databases is considered unreliable, as metrics indicate insufficient coverage at this position in the ExAC database. This variant has not been reported in the literature in individuals affected with LMNA-related conditions. Algorithms developed to predict the effect of missense changes on protein structure and function are either unavailable or do not agree on the potential impact of this missense change (SIFT: "Deleterious"; PolyPhen-2: "Benign"; Align-GVGD: "Class C65"). In summary, the available evidence is currently insufficient to determine the role of this variant in disease. Therefore, it has been classified as a Variant of Uncertain Significance.

NM_170707.4(LMNA):c.22C>G (p.Arg8Gly)

Genes: LMNA (lamin A/C; plus strand), LOC129931597 (ATAC-STARR-seq lymphoblastoid silent region 1421; plus strand). Cytogenetic location: 1q22.
Variant type: single nucleotide variant.
Coding change: c.22C>G on transcript NM_170707.4 (MANE Select); coding-DNA position 22, C replaced by G.
Protein change: p.Arg8Gly; replaces arginine 8 with glycine.
Molecular consequence: missense variant.
Genome position (GRCh38, 1-based): chr1:156,114,940, C>G. VCF-style: chr1-156114940-C-G. GRCh37 (hg19) VCF-style: chr1-156084731-C-G.
Other names: c.22C>G, p.Arg8Gly (NM_001282625.2, NM_001282626.2, NM_005572.4 and 1 more transcripts); short protein forms R8G.
Identifiers: ClinVar variation 1041658 (VCV001041658.6), dbSNP rs1649697783, ClinGen allele CA342806015.
Genomic context (GRCh38, chr1:156,114,940, plus strand): 5'-GACCCCTGCCCCGCGGGCAGCGCTGCCAACCTGCCGGCCATGGAGACCCCGTCCCAGCGG[C>G]GCGCCACCCGCAGCGGGGCGCAGGCCAGCTCCACTCCGCTGTCGCCCACCCGCATCACCC-3'
Protein context (NP_733821.1, residues 1-18): METPSQR[Arg8Gly]ATRSGAQASS